The following is an entry in ClinVar:

NM_001387777.1(TNS1):c.3549C>T (p.Ser1183=)

Gene: TNS1 (tensin 1; minus strand). Cytogenetic location: 2q35.
Variant type: single nucleotide variant.
Coding change: c.3549C>T on transcript NM_001387777.1 (MANE Select); coding-DNA position 3549, C replaced by T.
Protein change: p.Ser1183=; no amino-acid change (serine 1183 retained).
Molecular consequence: synonymous variant.
Genome position (GRCh38, 1-based): chr2:217,821,763, G>A on the plus strand (C>T on the coding strand, the complement: TNS1 is on the minus strand). VCF-style: chr2-217821763-G-A. GRCh37 (hg19) VCF-style: chr2-218686486-G-A.
Other names: c.3198C>T, p.Ser1066= (NM_001308022.2); c.3174C>T, p.Ser1058= (NM_001308023.2); c.3237C>T, p.Ser1079= (NM_022648.7).
Identifiers: ClinVar variation 3047116 (VCV003047116.2), dbSNP rs374099297, ClinGen allele CA2099854.

ClinVar aggregate classification (germline): Likely benign (0 of 4 stars; one submission).

Conditions:
TNS1-related disorder. Also called: TNS1-related condition.

Allele frequency attached by ClinVar (database versions not stated): gnomAD 0.00016; TOPMed 0.00016; ESP Exome Variant Server 0.00031; ExAC 0.00072.
gnomAD v4.1: 308 of 1,498,874 alleles (0.021%); highest among the groups gnomAD compares: Non-Finnish European, 0.023%; no homozygotes.

Submission:

PreventionGenetics, part of Exact Sciences
Classification: Likely benign for TNS1-related condition. Last evaluated: 2019-03-29. Review status: no assertion criteria provided. Collection method: clinical testing. Allele origin: germline.
Comment: This variant is classified as likely benign based on ACMG/AMP sequence variant interpretation guidelines (Richards et al. 2015 PMID: 25741868, with internal and published modifications).